The following is an entry in ClinVar:

NM_001851.6(COL9A1):c.2582-103G>A

Gene: COL9A1 (collagen type IX alpha 1 chain; minus strand). Cytogenetic location: 6q13.
Variant type: single nucleotide variant.
Coding change: c.2582-103G>A on transcript NM_001851.6 (MANE Select); 103 bases into the intron before coding-DNA position 2582, G replaced by A.
Molecular consequence: intron variant.
Genome position (GRCh38, 1-based): chr6:70,217,184, C>T on the plus strand (G>A on the coding strand, the complement: COL9A1 is on the minus strand). VCF-style: chr6-70217184-C-T. GRCh37 (hg19) VCF-style: chr6-70926887-C-T.
Other names: c.1706-103G>A (NM_001377290.1); c.1853-103G>A (NM_078485.4); c.1883-103G>A (NM_001377289.1).
Identifiers: ClinVar variation 680046 (VCV000680046.2), dbSNP rs9455004, ClinGen allele CA140833613.

ClinVar aggregate classification (germline): Likely benign. Review status: criteria provided, multiple submitters, no conflicts (2 of 4 stars). 2 submissions from 2 submitters: Likely benign (2). Last evaluated 2018-06-14.

Allele frequency attached by ClinVar (database versions not stated): gnomAD exomes 0.00216; gnomAD 0.01343 and 0.01439; TOPMed 0.01553; 1000 Genomes Project 0.01677; 1000 Genomes Project 30x 0.01749.

Submissions (2):

GeneDx
Classification: Likely benign. Last evaluated: 2018-06-14. Review status: criteria provided, single submitter. Criteria: GeneDx Variant Classification (06012015). Collection method: clinical testing. Allele origin: germline. Affected: yes.
Comment: This variant is considered likely benign or benign based on one or more of the following criteria: it is a conservative change, it occurs at a poorly conserved position in the protein, it is predicted to be benign by multiple in silico algorithms, and/or has population frequency not consistent with disease.

Breakthrough Genomics
Classification: Likely benign. Review status: criteria provided, single submitter. Criteria: ACMG Guidelines, 2015. Collection method: not provided. Allele origin: germline. Inheritance: Autosomal dominant inheritance. Affected: yes.